The following is an entry in ClinVar:

GRCh38/hg38 5p12-11(chr5:45506234-46114984)x3

Genes: HCN1 (hyperpolarization activated cyclic nucleotide gated potassium channel 1; minus strand), LOC126807382 (P300/CBP strongly-dependent group 1 enhancer GRCh37_chr5:45722136-45723335; plus strand). Cytogenetic location: 5p12-11.
Variant type: copy number gain.
Change: copy number 3 (three copies instead of two) of chr5:45,506,234-46,114,984 (608.8 kb, GRCh38 coordinates, 1-based), cytogenetic band 5p12-11.
Identifiers: ClinVar variation 57966 (VCV000057966.1).

ClinVar aggregate classification (germline): Uncertain significance (1 of 4 stars; one submission).

Submission:

ISCA site 4
Classification: Uncertain significance. Last evaluated: 2011-08-12. Review status: criteria provided, single submitter. Criteria: Kaminsky et al. (Genet Med. 2011). Collection method: clinical testing. Allele origin: unknown. Affected: yes. Observed: 1 variant allele.
Comment: Copy number variation identified through the course of routine clinical cytogenomic testing in postnatal populations. Clinical assertions have been curated as described in Kaminsky et al. 2011.